The following is an entry in ClinVar:

ClinVar aggregate classification (germline): Uncertain significance (1 of 4 stars; one submission).

Submission:

GeneDx
Classification: Uncertain significance. Last evaluated: 2026-08-25. Review status: criteria provided, single submitter. Criteria: GeneDx Variant Classification Process June 2021. Collection method: clinical testing. Allele origin: germline.
Comment: Not observed at significant frequency in large population cohorts (gnomAD); In silico analysis suggests that this missense variant does not alter protein structure/function; Has not been previously published as pathogenic or benign to our knowledge

NM_014491.4(FOXP2):c.690G>T (p.Gln230His)

Gene: FOXP2 (forkhead box P2; plus strand). Cytogenetic location: 7q31.1.
Variant type: single nucleotide variant.
Coding change: c.690G>T on transcript NM_014491.4 (MANE Select); coding-DNA position 690, G replaced by T.
Protein change: p.Gln230His; replaces glutamine 230 with histidine.
Molecular consequence: missense variant. On other transcripts: non-coding transcript variant (2).
Genome position (GRCh38, 1-based): chr7:114,631,620, G>T. VCF-style: chr7-114631620-G-T. GRCh37 (hg19) VCF-style: chr7-114271675-G-T.
Other names: c.687G>T, p.Gln229His (NM_001172766.3); c.765G>T, p.Gln255His (NM_001172767.2, NM_148898.4); c.690G>T, p.Gln230His (NM_148899.3); c.741G>T, p.Gln247His (NM_148900.4); short protein forms Q229H, Q230H, Q247H, Q255H.
Identifiers: ClinVar variation 3898879 (VCV003898879.2).
Genomic context (GRCh38, chr7:114,631,620, plus strand): 5'-GGCAGCCCAGCAGCTTGTCTTCCAGCAGCAGCTTCTCCAGATGCAACAACTCCAGCAGCA[G>T]CAGCATCTGCTCAGCCTTCAGCGTCAGGGACTCATCTCCATTCCACCTGGCCAGGCAGCA-3'
Protein context (NP_055306.1, residues 220-240): QLLQMQQLQQ[Gln230His]QHLLSLQRQG